The following is an entry in ClinVar:

ClinVar aggregate classification (germline): Conflicting classifications of pathogenicity. Review status: criteria provided, conflicting classifications (1 of 4 stars). 4 submissions from 4 submitters: Uncertain significance (3); Benign (1). Last evaluated 2025-10-11.

Conditions:
Inborn genetic diseases. Identifiers: MedGen C0950123, MeSH D030342.

Allele frequency attached by ClinVar (database versions not stated): gnomAD 0.00004; TOPMed 0.00006; gnomAD exomes 0.00008 and 0.00021; ESP Exome Variant Server 0.00009; ExAC 0.00031.
gnomAD v4.1: 96 of 1,192,973 alleles (0.008%); highest among the groups gnomAD compares: Non-Finnish European, 0.0009%; no homozygotes.

Submissions (4):

Labcorp Genetics (formerly Invitae), Labcorp
Classification: Benign. Last evaluated: 2025-10-11. Review status: criteria provided, single submitter. Criteria: Invitae Variant Classification Sherloc (09022015). Collection method: clinical testing. Allele origin: germline.

Ambry Genetics
Classification: Uncertain significance for Inborn genetic diseases. Last evaluated: 2022-05-25. Review status: criteria provided, single submitter. Criteria: Ambry Variant Classification Scheme 2023. Collection method: clinical testing. Allele origin: germline.

GeneDx
Classification: Uncertain significance. Last evaluated: 2019-04-16. Review status: criteria provided, single submitter. Criteria: GeneDx Variant Classification Process June 2021. Collection method: clinical testing. Allele origin: germline. Affected: yes.
Comment: In silico analysis, which includes protein predictors and evolutionary conservation, supports a deleterious effect; Has not been previously published as pathogenic or benign to our knowledge

Genetic Services Laboratory, University of Chicago
Classification: Uncertain significance. Last evaluated: 2018-11-26. Review status: criteria provided, single submitter. Criteria: ACMG Guidelines, 2015. Collection method: clinical testing. Allele origin: germline. Affected: no.

NM_000032.5(ALAS2):c.713A>T (p.Glu238Val)

Gene: ALAS2 (5'-aminolevulinate synthase 2; minus strand). Cytogenetic location: Xp11.21.
Variant type: single nucleotide variant.
Coding change: c.713A>T on transcript NM_000032.5 (MANE Select); coding-DNA position 713, A replaced by T.
Protein change: p.Glu238Val; replaces glutamic acid 238 with valine.
Molecular consequence: missense variant.
Genome position (GRCh38, 1-based): chrX:55,020,430, T>A on the plus strand (A>T on the coding strand, the complement: ALAS2 is on the minus strand). VCF-style: chrX-55020430-T-A. GRCh37 (hg19) VCF-style: chrX-55046863-T-A.
Other names: c.602A>T, p.Glu201Val (NM_001037967.4); c.674A>T, p.Glu225Val (NM_001037968.4); short protein forms E201V, E225V, E238V.
Identifiers: ClinVar variation 1308554 (VCV001308554.14), dbSNP rs137978657, ClinGen allele CA10428389.
Genomic context (GRCh38, chrX:55,020,430, plus strand): 5'-CAGGAGGAGAAGAGCAGGGCTGAGTCCTTCTGGTGCAGCTCAGCCAGCTCCTGCTCAAGC[T>A]CCACATGAAACTTACTGGTGCCTGAGATGTTGCGGGTGCCACCAGCTCCAGCACCATGAC-3'
Protein context (NP_000023.2, residues 228-248): NISGTSKFHV[Glu238Val]LEQELAELHQ